The following is an entry in ClinVar:

NM_001127649.3(PEX26):c.356A>G (p.Lys119Arg)

Gene: PEX26 (peroxisomal biogenesis factor 26; plus strand). Cytogenetic location: 22q11.21.
Variant type: single nucleotide variant.
Coding change: c.356A>G on transcript NM_001127649.3 (MANE Select); coding-DNA position 356, A replaced by G.
Protein change: p.Lys119Arg; replaces lysine 119 with arginine.
Molecular consequence: missense variant.
Genome position (GRCh38, 1-based): chr22:18,079,999, A>G. VCF-style: chr22-18079999-A-G. GRCh37 (hg19) VCF-style: chr22-18562765-A-G.
Other names: c.356A>G, p.Lys119Arg (NM_001199319.2, NM_017929.6); c.356A>G (NM_017929.5); short protein forms K119R.
Identifiers: ClinVar variation 2086372 (VCV002086372.5), dbSNP rs1926488352, ClinGen allele CA410265941.
Genomic context (GRCh38, chr22:18,079,999, plus strand): 5'-GGCAAGAAGTCCTCTCCTGGGTCCTTCAGTATTACCAGGTCCCTGAAAAGCTACCCCCCA[A>G]AGTCCTGGAGCTGTGGTAAGTCTTCTTTGCTGACTCATCAGATCGGTTCAGAAACGAGAG-3'
Protein context (NP_001121121.1, residues 109-129): YYQVPEKLPP[Lys119Arg]VLELCILLYS

ClinVar aggregate classification (germline): Uncertain significance. Review status: criteria provided, multiple submitters, no conflicts (2 of 4 stars). 2 submissions from 2 submitters: Uncertain significance (2). Last evaluated 2025-04-17.

Conditions:
Peroxisome biogenesis disorder 7A (Zellweger). Also called: Peroxisome biogenesis disorder 7A. Identifiers: Orphanet 912, MedGen C3888385, MONDO:0013938, OMIM 614872.
Peroxisome biogenesis disorder 7B (PBD7B). Identifiers: Orphanet 44, MedGen C3553951, MONDO:0013939, OMIM 614873.
Inborn genetic diseases. Identifiers: MedGen C0950123, MeSH D030342.

Submissions (2):

Labcorp Genetics (formerly Invitae), Labcorp
Classification: Uncertain significance for Peroxisome biogenesis disorder 7A (Zellweger); Peroxisome biogenesis disorder 7B. Last evaluated: 2025-04-17. Review status: criteria provided, single submitter. Criteria: Invitae Variant Classification Sherloc (09022015). Collection method: clinical testing. Allele origin: germline.
Comment: This sequence change replaces lysine, which is basic and polar, with arginine, which is basic and polar, at codon 119 of the PEX26 protein (p.Lys119Arg). This variant is not present in population databases (gnomAD no frequency). This variant has not been reported in the literature in individuals affected with PEX26-related conditions. ClinVar contains an entry for this variant (Variation ID: 2086372). Invitae Evidence Modeling of protein sequence and biophysical properties (such as structural, functional, and spatial information, amino acid conservation, physicochemical variation, residue mobility, and thermodynamic stability) has been performed for this missense variant. However, the output from this modeling did not meet the statistical confidence thresholds required to predict the impact of this variant on PEX26 protein function. In summary, the available evidence is currently insufficient to determine the role of this variant in disease. Therefore, it has been classified as a Variant of Uncertain Significance.

Ambry Genetics
Classification: Uncertain significance for Inborn genetic diseases. Last evaluated: 2024-04-19. Review status: criteria provided, single submitter. Criteria: Ambry Variant Classification Scheme 2023. Collection method: clinical testing. Allele origin: germline.